The following is an entry in ClinVar:

ClinVar aggregate classification (germline): Uncertain significance (1 of 4 stars; one submission).

gnomAD v4.1: 1 of 1,613,954 alleles (0.000062%); highest among the groups gnomAD compares: Admixed American, 0.0017%; no homozygotes.

Submission:

GeneDx
Classification: Uncertain significance. Last evaluated: 2024-01-04. Review status: criteria provided, single submitter. Criteria: GeneDx Variant Classification Process June 2021. Collection method: clinical testing. Allele origin: germline. Affected: yes.
Comment: In silico analysis supports that this missense variant has a deleterious effect on protein structure/function; Has not been previously published as pathogenic or benign to our knowledge

NM_015972.4(POLR1D):c.188C>G (p.Pro63Arg)

Genes: POLR1D (RNA polymerase I and III subunit D; plus strand), LOC147380392 (uncharacterized LOC147380392; plus strand). Cytogenetic location: 13q12.2.
Variant type: single nucleotide variant.
Coding change: c.188C>G on transcript NM_015972.4 (MANE Select); coding-DNA position 188, C replaced by G.
Protein change: p.Pro63Arg; replaces proline 63 with arginine.
Molecular consequence: missense variant. On other transcripts: intron variant (2).
Genome position (GRCh38, 1-based): chr13:27,623,036, C>G. VCF-style: chr13-27623036-C-G. GRCh37 (hg19) VCF-style: chr13-28197173-C-G.
Other names: c.188C>G, p.Pro63Arg (NM_001374407.1); c.-59+1896C>G (NM_001206559.2); c.26+1027C>G (NM_152705.3); short protein forms P63R.
Identifiers: ClinVar variation 3367394 (VCV003367394.1).
Genomic context (GRCh38, chr13:27,623,036, plus strand): 5'-TATTGCACGAGGAAGACCATACCCTAGGAAATTCTCTACGTTACATGATCATGAAGAACC[C>G]GGAAGTGGAATTTTGTGGTTACACTACGACCCATCCTTCAGAGAGCAAAATTAATTTACG-3'
Protein context (NP_057056.1, residues 53-73): NSLRYMIMKN[Pro63Arg]EVEFCGYTTT